The following is an entry in ClinVar:

ClinVar aggregate classification (germline): Uncertain significance (1 of 4 stars; one submission).

Conditions:
Cryopyrin associated periodic syndrome (CAPS). Identifiers: Orphanet 208650, MedGen C2316212, MONDO:0016168.

gnomAD v4.1: 1 of 1,614,212 alleles (0.000062%); no homozygotes.

Submission:

Labcorp Genetics (formerly Invitae), Labcorp
Classification: Uncertain significance for Cryopyrin associated periodic syndrome. Last evaluated: 2021-10-14. Review status: criteria provided, single submitter. Criteria: Invitae Variant Classification Sherloc (09022015). Collection method: clinical testing. Allele origin: germline.
Comment: This variant has not been reported in the literature in individuals affected with NLRP3-related conditions. In summary, the available evidence is currently insufficient to determine the role of this variant in disease. Therefore, it has been classified as a Variant of Uncertain Significance. Algorithms developed to predict the effect of missense changes on protein structure and function are either unavailable or do not agree on the potential impact of this missense change (SIFT: "Tolerated"; PolyPhen-2: "Possibly Damaging"; Align-GVGD: "Class C0"). This variant is not present in population databases (ExAC no frequency). This sequence change replaces lysine with asparagine at codon 339 of the NLRP3 protein (p.Lys339Asn). The lysine residue is moderately conserved and there is a moderate physicochemical difference between lysine and asparagine.

NM_001243133.2(NLRP3):c.1011G>C (p.Lys337Asn)

Gene: NLRP3 (NLR family pyrin domain containing 3; plus strand). Cytogenetic location: 1q44.
Variant type: single nucleotide variant.
Coding change: c.1011G>C on transcript NM_001243133.2 (MANE Select); coding-DNA position 1011, G replaced by C.
Protein change: p.Lys337Asn; replaces lysine 337 with asparagine.
Molecular consequence: missense variant.
Genome position (GRCh38, 1-based): chr1:247,424,460, G>C. VCF-style: chr1-247424460-G-C. GRCh37 (hg19) VCF-style: chr1-247587762-G-C.
Other names: c.1011G>C, p.Lys337Asn (NM_001079821.3, NM_001127461.3, NM_001127462.3 and 1 more transcripts); c.1017G>C, p.Lys339Asn (NM_004895.5); short protein forms K339N, K337N.
Identifiers: ClinVar variation 1516187 (VCV001516187.6), dbSNP rs766978634, ClinGen allele CA40691230.